The following is an entry in ClinVar:

ClinVar aggregate classification (germline): Uncertain significance (1 of 4 stars; one submission).

Allele frequency attached by ClinVar (database versions not stated): gnomAD 0.00001; TOPMed 0.00001.
gnomAD v4.1: 1 of 1,614,010 alleles (0.000062%); highest among the groups gnomAD compares: African/African-American, 0.0013%; no homozygotes.

Submission:

Ambry Genetics
Classification: Uncertain significance. Last evaluated: 2024-05-31. Review status: criteria provided, single submitter. Criteria: Ambry Variant Classification Scheme 2023. Collection method: clinical testing. Allele origin: germline.
Comment: The p.P841Q variant (also known as c.2522C>A), located in coding exon 13 of the NPAT gene, results from a C to A substitution at nucleotide position 2522. The proline at codon 841 is replaced by glutamine, an amino acid with similar properties. This amino acid position is conserved. In addition, this alteration is predicted to be tolerated by in silico analysis. Since supporting evidence is limited at this time, the clinical significance of this alteration remains unclear.

NM_002519.3(NPAT):c.2522C>A (p.Pro841Gln)

Gene: NPAT (nuclear protein, coactivator of histone transcription; minus strand). Cytogenetic location: 11q22.3.
Variant type: single nucleotide variant.
Coding change: c.2522C>A on transcript NM_002519.3 (MANE Select); coding-DNA position 2522, C replaced by A.
Protein change: p.Pro841Gln; replaces proline 841 with glutamine.
Molecular consequence: missense variant.
Genome position (GRCh38, 1-based): chr11:108,172,462, G>T on the plus strand (C>A on the coding strand, the complement: NPAT is on the minus strand). VCF-style: chr11-108172462-G-T. GRCh37 (hg19) VCF-style: chr11-108043189-G-T.
Other names: c.2522C>A, p.Pro841Gln (NM_001321307.1); short protein forms P841Q.
Identifiers: ClinVar variation 1792559 (VCV001792559.3), dbSNP rs908101368, ClinGen allele CA228383475.
Genomic context (GRCh38, chr11:108,172,462, plus strand): 5'-CCAAAAGCTGTGCTTGTGGCTGGCATCAACTGTATATATCCTCCATCCTTGGAAACACAT[G>T]GTGTAACATTAGCTGAAAAAGCAATGCCATCTTCATTCTGAGTATTGTTTACTGCAGAGT-3'
Protein context (NP_002510.2, residues 831-851): DGIAFSANVT[Pro841Gln]CVSKDGGYIQ